The following is an entry in ClinVar:

ClinVar aggregate classification (germline): Uncertain significance (1 of 4 stars; one submission).

Conditions:
Dyskeratosis congenita. Identifiers: Orphanet 1775, MedGen C0265965, MONDO:0015780.

Submission:

Bone Marrow Failure laboratory, Queen Mary University London
Classification: Uncertain significance for Dyskeratosis congenita. Last evaluated: 2022-06-22. Review status: criteria provided, single submitter. Criteria: ACMG Guidelines, 2015. Collection method: research. Allele origin: unknown. Inheritance: Oligogenic inheritance. Affected: yes.
Comment: The following ACMG/AMP criteria were used: PM2_supporting, PP3

NM_001071.4(TYMS):c.259G>A (p.Glu87Lys)

Gene: TYMS (thymidylate synthetase; plus strand). Cytogenetic location: 18p11.32.
Variant type: single nucleotide variant.
Coding change: c.259G>A on transcript NM_001071.4 (MANE Select); coding-DNA position 259, G replaced by A.
Protein change: p.Glu87Lys; replaces glutamic acid 87 with lysine.
Molecular consequence: missense variant. On other transcripts: intron variant (1).
Genome position (GRCh38, 1-based): chr18:659,694, G>A. VCF-style: chr18-659694-G-A. GRCh37 (hg19) VCF-style: chr18-659694-G-A.
Other names: c.259G>A, p.Glu87Lys (NM_001354867.2); c.205+1747G>A (NM_001354868.2); short protein forms E87K.
Identifiers: ClinVar variation 1693534 (VCV001693534.2), dbSNP rs2144258402, ClinGen allele CA401669683.